The following is an entry in ClinVar:

NM_000487.6(ARSA):c.542dup (p.Leu183fs)

Gene: ARSA (arylsulfatase A; minus strand). Cytogenetic location: 22q13.33.
Variant type: Duplication.
Coding change: c.542dup on transcript NM_000487.6 (MANE Select); coding-DNA position 542, one base duplicated (T; older notation c.542dupT).
Protein change: p.Leu183fs; shifts the reading frame from leucine 183.
Molecular consequence: frameshift variant.
Genome position (GRCh38, 1-based): chr22:50,626,976, A duplicated on the plus strand (T on the coding strand, the reverse complement: ARSA is on the minus strand). VCF-style (leftmost placement, unchanged base first): chr22-50626975-G-GA. GRCh37 (hg19) VCF-style: chr22-51065403-G-GA.
Other names: c.542dup, p.Leu183fs (NM_001085425.3, NM_001085426.3, NM_001085427.3); c.284dup, p.Leu97fs (NM_001085428.3, NM_001362782.2); c.542dupT (NM_000487.5, NM_000487.6); short protein forms L97fs, L183fs.
Identifiers: ClinVar variation 557936 (VCV000557936.10), dbSNP rs776748338, ClinGen allele CA10324984.

ClinVar aggregate classification (germline): Pathogenic. Review status: criteria provided, multiple submitters, no conflicts (2 of 4 stars). 3 submissions from 3 submitters: Pathogenic (2). 1 of the submissions does not count toward it. Last evaluated 2026-06-08.

Conditions:
Metachromatic leukodystrophy (MLD). Also called: Cerebral sclerosis diffuse metachromatic form; Arylsulfatase A Deficiency; METACHROMATIC LEUKOENCEPHALOPATHY; SULFATIDE LIPIDOSIS; ARSA DEFICIENCY; CEREBROSIDE SULFATASE DEFICIENCY. Identifiers: Orphanet 512, MedGen C0023522, MONDO:0018868, OMIM 250100.

Allele frequency attached by ClinVar (database versions not stated): ExAC 0.00001; gnomAD exomes below 0.00001; TOPMed 0.00001; gnomAD 0.00003.

Submissions (3):

Women's Health and Genetics/Laboratory Corporation of America, LabCorp
Classification: Pathogenic for Metachromatic leukodystrophy. Last evaluated: 2026-06-08. Review status: criteria provided, single submitter. Criteria: LabCorp Variant Classification Summary - May 2015. Collection method: clinical testing. Allele origin: germline.
Comment: Variant summary: ARSA c.542dupT (p.Leu183ThrfsX27) results in a premature termination codon, predicted to cause a truncation of the encoded protein or absence of the protein due to nonsense mediated decay, which are commonly known mechanisms for disease. The variant allele was found at a frequency of 4e-06 in 247680 control chromosomes. To our knowledge, no occurrence of c.542dupT in individuals affected with ARSA-related conditions and no experimental evidence demonstrating its impact on protein function have been reported. ClinVar contains an entry for this variant (Variation ID: 557936). Based on the evidence outlined above, the variant was classified as pathogenic.

Labcorp Genetics (formerly Invitae), Labcorp
Classification: Pathogenic for Metachromatic leukodystrophy. Last evaluated: 2025-03-25. Review status: criteria provided, single submitter. Criteria: Invitae Variant Classification Sherloc (09022015). Collection method: clinical testing. Allele origin: germline.
Comment: This sequence change creates a premature translational stop signal (p.Leu183Thrfs*27) in the ARSA gene. It is expected to result in an absent or disrupted protein product. Loss-of-function variants in ARSA are known to be pathogenic (PMID: 8962139, 10477432). This variant is present in population databases (rs776748338, gnomAD 0.01%). This variant has not been reported in the literature in individuals affected with ARSA-related conditions. ClinVar contains an entry for this variant (Variation ID: 557936). For these reasons, this variant has been classified as Pathogenic.

Counsyl
Classification: Likely pathogenic for Metachromatic leukodystrophy. Last evaluated: 2018-04-17. Review status: no assertion criteria provided. Collection method: clinical testing. Allele origin: unknown. Not counted in ClinVar's aggregate classification.

Literature cited by the submitters: PubMed 8962139 (cited by Labcorp Genetics (formerly Invitae), Labcorp); PubMed 10477432 (cited by Labcorp Genetics (formerly Invitae), Labcorp).